The following is an entry in ClinVar:

NM_000218.3(KCNQ1):c.921+1G>T

Gene: KCNQ1 (potassium voltage-gated channel subfamily Q member 1; plus strand). Cytogenetic location: 11p15.5.
Variant type: single nucleotide variant.
Coding change: c.921+1G>T on transcript NM_000218.3 (MANE Select); the canonical splice donor site of the intron after coding-DNA position 921, G replaced by T.
Molecular consequence: splice donor variant. On other transcripts: intron variant (1).
Genome position (GRCh38, 1-based): chr11:2,572,987, G>T. VCF-style: chr11-2572987-G-T. GRCh37 (hg19) VCF-style: chr11-2594217-G-T.
Other names: c.651+1G>T (NM_001406837.1); c.921+1G>T (NM_001406836.1); c.478-10448G>T (NM_001406838.1); c.540+1G>T (NM_181798.2).
Identifiers: ClinVar variation 53126 (VCV000053126.17), dbSNP rs397508130, ClinGen allele CA008659.
Genomic context (GRCh38, chr11:2,572,987, plus strand): 5'-GTGAACGAGTCAGGCCGCGTGGAGTTCGGCAGCTACGCAGATGCGCTGTGGTGGGGGGTG[G>T]TAAGTCGGAAACTTCCAGGCATGGGGACAGGGGCAGCTCAGGCTGAGGAGTGGGCAGGAC-3'

ClinVar aggregate classification (germline): Pathogenic/Likely pathogenic. Review status: criteria provided, multiple submitters, no conflicts (2 of 4 stars). 6 submissions from 6 submitters: Pathogenic (4); Likely pathogenic (2). Last evaluated 2024-06-06.

Conditions:
KCNQ1-related disorder. Also called: KCNQ1-related disorders; KCNQ1-related condition. Identifiers: MedGen CN239322.
Cardiovascular phenotype. Identifiers: MedGen CN230736.
Long QT syndrome 1 (LQT1). Identifiers: Orphanet 101016, Orphanet 768, MedGen C4551647, MONDO:0100316, OMIM 192500, MONDO:0008646.
Short QT syndrome type 2. Identifiers: Orphanet 51083, MedGen C1865019, MONDO:0012313, OMIM 609621.
Atrial fibrillation, familial, 3 (ATFB3). Identifiers: MedGen C1837014, MONDO:0011857, OMIM 607554.
Beckwith-Wiedemann syndrome (BWS). Also called: Exomphalos macroglossia gigantism syndrome; EMG SYNDROME. Identifiers: Orphanet 116, MedGen C0004903, MONDO:0007534, OMIM 130650.
Jervell and Lange-Nielsen syndrome 1 (JLNS1). Also called: CARDIOAUDITORY SYNDROME OF JERVELL AND LANGE-NIELSEN; DEAFNESS, CONGENITAL, AND FUNCTIONAL HEART DISEASE; PROLONGED QT INTERVAL IN EKG AND SUDDEN DEATH; SURDO-CARDIAC SYNDROME. Identifiers: Orphanet 768, Orphanet 90647, MedGen C4551509, MONDO:0024540, OMIM 220400.
Long QT syndrome (LQTS). Identifiers: MedGen C0023976, MeSH D008133, MONDO:0002442. Disease mechanism: loss of function. Inheritance: Various modes of inheritance.

Submissions (6):

Labcorp Genetics (formerly Invitae), Labcorp
Classification: Pathogenic for Long QT syndrome. Last evaluated: 2024-06-06. Review status: criteria provided, single submitter. Criteria: Invitae Variant Classification Sherloc (09022015). Collection method: clinical testing. Allele origin: germline.
Comment: This sequence change affects a donor splice site in intron 6 of the KCNQ1 gene. It is expected to disrupt RNA splicing. Variants that disrupt the donor or acceptor splice site typically lead to a loss of protein function (PMID: 16199547), and loss-of-function variants in KCNQ1 are known to be pathogenic (PMID: 9323054, 19862833). This variant is not present in population databases (gnomAD no frequency). Disruption of this splice site has been observed in individual(s) with clinical features of long QT syndrome and/or Jervell and Lange-Nielsen syndrome (PMID: 10973849; Invitae). In at least one individual the data is consistent with being in trans (on the opposite chromosome) from a pathogenic variant. ClinVar contains an entry for this variant (Variation ID: 53126). Algorithms developed to predict the effect of sequence changes on RNA splicing suggest that this variant may disrupt the consensus splice site. For these reasons, this variant has been classified as Pathogenic.

All of Us Research Program, National Institutes of Health
Classification: Likely pathogenic for Long QT syndrome. Last evaluated: 2023-12-11. Review status: criteria provided, single submitter. Criteria: ACMG Guidelines, 2015. Collection method: clinical testing. Allele origin: germline. Inheritance: Autosomal dominant inheritance. Observed: 1 variant allele, 1 heterozygote.
Comment: The c.921+1G>T variant in the KCNQ1 gene is located at the canonical donor splice site in intron 6 and is predicted to disrupt mRNA splicing resulting in an absent or aberrant protein product (SpliceAI score: 1.00). This variant has been reported in at least one individual with long QT syndrome (PMID:10973849). Loss-of-function variants are a known disease mechanism of long QT syndrome due to defects in the KCNQ1 gene (PMID:19862833). This variant is reported in ClinVar (ID: 53126). This variant is absent in the general population database, gnomAD. Therefore, the c.921+1G>T variant in the KCNQ1 gene is classified as likely pathogenic.

This study involves interpretation of variants in research participants for the purpose of population health screening. Participant phenotype was not available at the time of variant classification. Additional details can be found in publication PMID: 35346344, PMCID: PMC8962531

Blueprint Genetics
Classification: Pathogenic for KCNQ1-related disorders. Last evaluated: 2023-09-13. Review status: criteria provided, single submitter. Criteria: ACMG Guidelines, 2015. Collection method: clinical testing. Allele origin: germline. Affected: yes. Observed: 2 variant alleles.

Fulgent Genetics
Classification: Pathogenic for Beckwith-Wiedemann syndrome; Long QT syndrome 1; Jervell and Lange-Nielsen syndrome 1; Atrial fibrillation, familial, 3; Short QT syndrome type 2. Last evaluated: 2022-05-30. Review status: criteria provided, single submitter. Criteria: ACMG Guidelines, 2015. Collection method: clinical testing. Allele origin: unknown.

Ambry Genetics
Classification: Likely pathogenic for Cardiovascular phenotype. Last evaluated: 2021-10-12. Review status: criteria provided, single submitter. Criteria: Ambry Variant Classification Scheme 2023. Collection method: clinical testing. Allele origin: germline.
Comment: The c.921+1G>T intronic variant results from a G to T substitution one nucleotide after coding exon 6 of the KCNQ1 gene. Alterations that disrupt the canonical splice site are expected to result in aberrant splicing. In silico splice site analysis predicts that this alteration will weaken the native splice donor site. The resulting transcript is predicted to be in-frame and is not expected to trigger nonsense-mediated mRNAdecay; however, direct evidence is unavailable. The exact functional effect of the altered amino acid sequence is unknown; however, the impacted region is critical for protein function (Ambry internal data). This alteration has been reported in a long QT syndrome cohort (Splawski I et al. Circulation, 2000 Sep;102:1178-85). This variant is considered to be rare based on population cohorts in the Genome Aggregation Database (gnomAD). This nucleotide position is highly conserved in available vertebrate species. Based on the majority of available evidence to date, this variant is likely to be pathogenic.

GeneDx
Classification: Pathogenic. Last evaluated: 2013-06-21. Review status: criteria provided, single submitter. Criteria: GeneDx Variant Classification (06012015). Collection method: clinical testing. Allele origin: germline. Affected: yes.
Comment: The c.921+1 G>T mutation has been reported previously in one individual referred for LQTS testing, and was absent from at least 400 control chromosomes in this study (Splawski I et al., 2000). Additionally, c.921+1 G>T was not observed in approximately 6,500 individuals of European and African American ancestry in the NHLBI Exome Sequencing Project, indicating it is not a common benign variant in these populations. This mutation destroys the canonical splice donor site in intron 6 and is predicted to cause abnormal gene splicing. The mutation is predicted to lead to either an abnormal message that is subject to nonsense-mediated mRNA decay, or to an abnormal protein product if the message is used for protein translation. Other splice site mutations in the KCNQ1 gene have been reported in association with LQTS. In summary, c.921+1 G>T in the KCNQ1 gene is interpreted as a disease-causing mutation. The variant is found in LQT panel(s).

Literature cited by the submitters: PubMed 16199547 (cited by Labcorp Genetics (formerly Invitae), Labcorp); PubMed 9323054 (cited by Labcorp Genetics (formerly Invitae), Labcorp); PubMed 19862833 (cited by Labcorp Genetics (formerly Invitae), Labcorp and All of Us Research Program, National Institutes of Health); PubMed 10973849 (cited by 3 submitters).